The following is an entry in ClinVar:

ClinVar aggregate classification (germline): Uncertain significance (1 of 4 stars; one submission).

Conditions:
Blau syndrome (BLAUS). Also called: JABS SYNDROME; ARTHROCUTANEOUVEAL GRANULOMATOSIS; GRANULOMATOSIS, FAMILIAL JUVENILE SYSTEMIC; GRANULOMATOSIS, FAMILIAL, BLAU TYPE; GRANULOMATOUS INFLAMMATORY ARTHRITIS, DERMATITIS, AND UVEITIS, FAMILIAL. Identifiers: Orphanet 90340, MedGen C5201146, MONDO:0008523, OMIM 186580.

Submission:

Laboratorio de Genetica e Diagnostico Molecular, Hospital Israelita Albert Einstein
Classification: Uncertain significance for Blau syndrome. Last evaluated: 2023-02-13. Review status: criteria provided, single submitter. Criteria: ACMG Guidelines, 2015. Collection method: clinical testing. Allele origin: germline. Affected: yes.
Comment: ACMG classification criteria: PM2 moderated

NM_001370466.1(NOD2):c.-8-2532G>T

Gene: NOD2 (nucleotide binding oligomerization domain containing 2; plus strand). Cytogenetic location: 16q12.1.
Variant type: single nucleotide variant.
Coding change: c.-8-2532G>T on transcript NM_001370466.1 (MANE Select); 2532 bases into the intron before 8 bases upstream of the start codon, G replaced by T.
Molecular consequence: intron variant. On other transcripts: 5 prime UTR variant (1).
Genome position (GRCh38, 1-based): chr16:50,696,956, G>T. VCF-style: chr16-50696956-G-T. GRCh37 (hg19) VCF-style: chr16-50730867-G-T.
Other names: c.-288G>T (NM_022162.3).
Identifiers: ClinVar variation 2431663 (VCV002431663.2), dbSNP rs577837595, ClinGen allele CA2221826393.
Genomic context (GRCh38, chr16:50,696,956, plus strand): 5'-CTCACACGTAGGCCAGGCTGCCCTAGGCTTGGTGTGCAAGGGAGGGGCCCCTACTTACTT[G>T]TGGCCTGTCCCCTCGTGAATGTGTCTCATGTCCCCAGTGGGGTTTTTCAGTGAGGGTCAT-3'